The following is an entry in ClinVar:

NM_001042492.3(NF1):c.346G>T (p.Glu116Ter)

Gene: NF1 (neurofibromin 1; plus strand). Cytogenetic location: 17q11.2.
Variant type: single nucleotide variant.
Coding change: c.346G>T on transcript NM_001042492.3 (MANE Select); coding-DNA position 346, G replaced by T.
Protein change: p.Glu116Ter; replaces glutamic acid 116 with a stop codon.
Molecular consequence: nonsense.
Genome position (GRCh38, 1-based): chr17:31,163,243, G>T. VCF-style: chr17-31163243-G-T. GRCh37 (hg19) VCF-style: chr17-29490261-G-T.
Other names: c.346G>T, p.Glu116Ter (NM_000267.4, NM_001128147.3); short protein forms E116*.
Identifiers: ClinVar variation 1074966 (VCV001074966.6), dbSNP rs2143671466, ClinGen allele CA398981752.

ClinVar aggregate classification (germline): Pathogenic (1 of 4 stars; one submission).
ClinVar aggregate classification (oncogenicity): Likely oncogenic (1 of 4 stars; one submission).

Conditions:
Neurofibromatosis, type 1 (NF1). Also called: VON RECKLINGHAUSEN DISEASE; Peripheral type neurofibromatosis; NEUROFIBROMATOSIS, TYPE I, SOMATIC; Neurofibromatosis, type I. Identifiers: Orphanet 636, MedGen C0027831, MONDO:0018975, OMIM 162200. Disease mechanism: loss of function.
Neoplasm. Also called: Neoplasms; Neoplasm (disease); tumor. Identifiers: MedGen C0027651, MeSH D009369, MONDO:0005070, HP:0002664.

Submissions (2):

Center for Genomic Medicine, Rigshospitalet, Copenhagen University Hospital
Classification: Likely oncogenic for Neoplasm. Last evaluated: 2025-12-29. Review status: criteria provided, single submitter. Criteria: ClinGen/CGC/VICC Guidelines for Oncogenicity, 2022. Collection method: clinical testing. Allele origin: somatic. Affected: yes.

Labcorp Genetics (formerly Invitae), Labcorp
Classification: Pathogenic for Neurofibromatosis, type 1. Last evaluated: 2022-05-15. Review status: criteria provided, single submitter. Criteria: Invitae Variant Classification Sherloc (09022015). Collection method: clinical testing. Allele origin: germline.
Comment: This sequence change creates a premature translational stop signal (p.Glu116*) in the NF1 gene. It is expected to result in an absent or disrupted protein product. Loss-of-function variants in NF1 are known to be pathogenic (PMID: 10712197, 23913538). This variant is not present in population databases (gnomAD no frequency). This premature translational stop signal has been observed in individual(s) with neurofibromatosis, type 1 (PMID: 29680440). It has also been observed to segregate with disease in related individuals. ClinVar contains an entry for this variant (Variation ID: 1074966). For these reasons, this variant has been classified as Pathogenic.

Literature cited by the submitters: PubMed 34046057 (cited by Center for Genomic Medicine, Rigshospitalet, Copenhagen University Hospital); PubMed 10712197 (cited by Labcorp Genetics (formerly Invitae), Labcorp); PubMed 23913538 (cited by Labcorp Genetics (formerly Invitae), Labcorp); PubMed 29680440 (cited by Labcorp Genetics (formerly Invitae), Labcorp).